The following is an entry in ClinVar:

ClinVar aggregate classification (germline): Uncertain significance (1 of 4 stars; one submission).

Submission:

GeneDx
Classification: Uncertain significance. Last evaluated: 2020-07-15. Review status: criteria provided, single submitter. Criteria: GeneDx Variant Classification Process June 2021. Collection method: clinical testing. Allele origin: germline. Affected: yes.
Comment: Has not been previously published as pathogenic or benign to our knowledge; Not observed in large population cohorts (Lek et al., 2016); In silico analysis, which includes protein predictors and evolutionary conservation, supports a deleterious effect

NM_001282534.2(KCNK9):c.464C>G (p.Ser155Cys)

Gene: KCNK9 (potassium two pore domain channel subfamily K member 9; minus strand). Cytogenetic location: 8q24.3.
Variant type: single nucleotide variant.
Coding change: c.464C>G on transcript NM_001282534.2 (MANE Select); coding-DNA position 464, C replaced by G.
Protein change: p.Ser155Cys; replaces serine 155 with cysteine.
Molecular consequence: missense variant. On other transcripts: non-coding transcript variant (1).
Genome position (GRCh38, 1-based): chr8:139,618,919, G>C on the plus strand (C>G on the coding strand, the complement: KCNK9 is on the minus strand). VCF-style: chr8-139618919-G-C. GRCh37 (hg19) VCF-style: chr8-140631162-G-C.
Other names: short protein forms S155C.
Identifiers: ClinVar variation 1309947 (VCV001309947.2), dbSNP rs2130105339, ClinGen allele CA372734580.